The following is an entry in ClinVar:

NM_000089.4(COL1A2):c.157G>A (p.Asp53Asn)

Gene: COL1A2 (collagen type I alpha 2 chain; plus strand). Cytogenetic location: 7q21.3.
Variant type: single nucleotide variant.
Coding change: c.157G>A on transcript NM_000089.4 (MANE Select); coding-DNA position 157, G replaced by A.
Protein change: p.Asp53Asn; replaces aspartic acid 53 with asparagine.
Molecular consequence: missense variant.
Genome position (GRCh38, 1-based): chr7:94,400,220, G>A. VCF-style: chr7-94400220-G-A. GRCh37 (hg19) VCF-style: chr7-94029532-G-A.
Other names: short protein forms D53N.
Identifiers: ClinVar variation 2923792 (VCV002923792.4), dbSNP rs2484693606, ClinGen allele CA368219145.

ClinVar aggregate classification (germline): Uncertain significance. Review status: criteria provided, multiple submitters, no conflicts (2 of 4 stars). 2 submissions from 2 submitters: Uncertain significance (2). Last evaluated 2023-06-14.

Conditions:
Osteogenesis imperfecta type I (OI1). Also called: Lobstein disease; OI, TYPE I; OSTEOGENESIS IMPERFECTA TARDA; OSTEOGENESIS IMPERFECTA WITH BLUE SCLERAE; Osteogenesis imperfecta type 1; Lobstein's Disease. Identifiers: Orphanet 216796, Orphanet 666, MedGen C0023931, MONDO:0008146, OMIM 166200. Disease mechanism: loss of function.
Ehlers-Danlos syndrome, classic type, 1 (EDSCL1). Also called: EDS I; EHLERS-DANLOS SYNDROME, GRAVIS TYPE; EHLERS-DANLOS SYNDROME, SEVERE CLASSIC TYPE; Ehlers-Danlos syndrome, type 1; Ehlers-Danlos Syndrome, Classic Type, COL5A1-Related. Identifiers: MedGen C0268335, MONDO:0019567, OMIM 130000.

Allele frequency attached by ClinVar (database versions not stated): gnomAD exomes below 0.00001.
gnomAD v4.1: 3 of 1,613,278 alleles (0.00019%); highest among the groups gnomAD compares: Non-Finnish European, 0.00017%; no homozygotes.

Submissions (2):

GeneDx
Classification: Uncertain significance. Last evaluated: 2023-06-14. Review status: criteria provided, single submitter. Criteria: GeneDx Variant Classification Process June 2021. Collection method: clinical testing. Allele origin: germline. Affected: yes.
Comment: Not observed at significant frequency in large population cohorts (gnomAD); In silico analysis supports that this missense variant does not alter protein structure/function; Has not been previously published as pathogenic or benign to our knowledge

Labcorp Genetics (formerly Invitae), Labcorp
Classification: Uncertain significance for Osteogenesis imperfecta type I; Ehlers-Danlos syndrome, classic type, 1. Last evaluated: 2023-04-25. Review status: criteria provided, single submitter. Criteria: Invitae Variant Classification Sherloc (09022015). Collection method: clinical testing. Allele origin: germline.
Comment: In summary, the available evidence is currently insufficient to determine the role of this variant in disease. Therefore, it has been classified as a Variant of Uncertain Significance. Advanced modeling of protein sequence and biophysical properties (such as structural, functional, and spatial information, amino acid conservation, physicochemical variation, residue mobility, and thermodynamic stability) performed at Invitae indicates that this missense variant is not expected to disrupt COL1A2 protein function. This variant has not been reported in the literature in individuals affected with COL1A2-related conditions. This variant is not present in population databases (gnomAD no frequency). This sequence change replaces aspartic acid, which is acidic and polar, with asparagine, which is neutral and polar, at codon 53 of the COL1A2 protein (p.Asp53Asn).